The following is an entry in ClinVar:

NM_014920.5(CILK1):c.791T>A (p.Met264Lys)

Gene: CILK1 (ciliogenesis associated kinase 1; minus strand). Cytogenetic location: 6p12.1.
Variant type: single nucleotide variant.
Coding change: c.791T>A on transcript NM_014920.5 (MANE Select); coding-DNA position 791, T replaced by A.
Protein change: p.Met264Lys; replaces methionine 264 with lysine.
Molecular consequence: missense variant. On other transcripts: non-coding transcript variant (1).
Genome position (GRCh38, 1-based): chr6:53,016,123, A>T on the plus strand (T>A on the coding strand, the complement: CILK1 is on the minus strand). VCF-style: chr6-53016123-A-T. GRCh37 (hg19) VCF-style: chr6-52880921-A-T.
Other names: c.791T>A, p.Met264Lys (NM_001375397.1, NM_001375398.1, NM_001375399.1 and 4 more transcripts); short protein forms M264K.
Identifiers: ClinVar variation 2656644 (VCV002656644.24), dbSNP rs539412313, ClinGen allele CA364470106.

ClinVar aggregate classification (germline): Uncertain significance (1 of 4 stars; one submission).

gnomAD v4.1: 3 of 1,614,144 alleles (0.00019%); highest among the groups gnomAD compares: Non-Finnish European, 0.00025%; no homozygotes.

Submission:

CeGaT Center for Human Genetics Tuebingen
Classification: Uncertain significance. Last evaluated: 2022-10-01. Review status: criteria provided, single submitter. Criteria: CeGaT Center For Human Genetics Tuebingen Variant Classification Criteria Version 2. Collection method: clinical testing. Allele origin: germline. Affected: yes. Observed: 1 variant allele.
Comment: CILK1: PM1, PM2, BP4